The following is an entry in ClinVar:

ClinVar aggregate classification (germline): Benign. Review status: criteria provided, multiple submitters, no conflicts (2 of 4 stars). 9 submissions from 8 submitters: Benign (8). 1 of the submissions does not count toward it. Last evaluated 2026-02-03.

Conditions:
Hereditary spastic paraplegia 77. Also called: Spastic paraplegia 77, autosomal recessive. Identifiers: Orphanet 466722, MedGen C5569007, MONDO:0014882, OMIM 617046.
Combined oxidative phosphorylation defect type 14. Also called: Combined oxidative phosphorylation deficiency 14. Identifiers: Orphanet 319519, MedGen C4755312, MONDO:0013986, OMIM 614946.

Allele frequency attached by ClinVar (database versions not stated): ESP Exome Variant Server 0.15216; TOPMed 0.17638; 1000 Genomes Project 30x 0.22939; 1000 Genomes Project 0.23522.
gnomAD v4.1: 308,230 of 1,613,374 alleles (19%); highest among the groups gnomAD compares: East Asian, 40%; 32,055 homozygotes.

Submissions (9):

Labcorp Genetics (formerly Invitae), Labcorp
Classification: Benign for Combined oxidative phosphorylation defect type 14. Last evaluated: 2026-02-03. Review status: criteria provided, single submitter. Criteria: Invitae Variant Classification Sherloc (09022015). Collection method: clinical testing. Allele origin: germline.

Blueprint Genetics
Classification: Benign. Last evaluated: 2024-11-26. Review status: criteria provided, single submitter. Criteria: ACMG Guidelines, 2015. Collection method: clinical testing. Allele origin: germline.

Unidad de Genómica Garrahan, Hospital de Pediatría Garrahan
Classification: Benign. Last evaluated: 2024-07-31. Review status: criteria provided, single submitter. Criteria: ACMG Guidelines, 2015. Collection method: clinical testing. Allele origin: germline. Affected: no. Observed: 26 variant alleles.
Comment: This variant is classified as Benign based on local population frequency. This variant was detected in 28% of patients studied in a panel designed for Epileptic and Developmental Encephalopathy, Progressive Myoclonus Epilepsy and Abnormal Movements and Neurodegeneration with brain iron accumulation. Number of patients: 26. Only high quality variants are reported.

Genome-Nilou Lab
Classification: Benign for Combined oxidative phosphorylation defect type 14. Last evaluated: 2021-08-10. Review status: criteria provided, single submitter. Criteria: ACMG Guidelines, 2015. Collection method: clinical testing. Allele origin: germline. Affected: no.

Genome-Nilou Lab
Classification: Benign for Hereditary spastic paraplegia 77. Last evaluated: 2021-08-10. Review status: criteria provided, single submitter. Criteria: ACMG Guidelines, 2015. Collection method: clinical testing. Allele origin: germline. Affected: no.

Wong Mito Lab, Molecular and Human Genetics, Baylor College of Medicine
Classification: Benign for Combined oxidative phosphorylation deficiency 14. Last evaluated: 2018-06-13. Review status: criteria provided, single submitter. Criteria: ACMG Guidelines, 2015. Collection method: clinical testing. Allele origin: germline.

GeneDx
Classification: Benign. Last evaluated: 2013-10-16. Review status: criteria provided, single submitter. Criteria: GeneDx Variant Classification (06012015). Collection method: clinical testing. Allele origin: germline. Affected: yes.
Comment: This variant is considered likely benign or benign based on one or more of the following criteria: it is a conservative change, it occurs at a poorly conserved position in the protein, it is predicted to be benign by multiple in silico algorithms, and/or has population frequency not consistent with disease.

PreventionGenetics, part of Exact Sciences
Classification: Benign. Review status: criteria provided, single submitter. Criteria: ACMG Guidelines, 2015. Collection method: clinical testing. Allele origin: germline.

Mayo Clinic Laboratories, Mayo Clinic
Classification: Benign. Last evaluated: 2016-02-23. Review status: no assertion criteria provided. Collection method: clinical testing. Allele origin: unknown. Not counted in ClinVar's aggregate classification.

NM_006567.5(FARS2):c.839A>G (p.Asn280Ser)

Gene: FARS2 (phenylalanyl-tRNA synthetase 2, mitochondrial; plus strand). Cytogenetic location: 6p25.1.
Variant type: single nucleotide variant.
Coding change: c.839A>G on transcript NM_006567.5 (MANE Select); coding-DNA position 839, A replaced by G.
Protein change: p.Asn280Ser; replaces asparagine 280 with serine.
Molecular consequence: missense variant. On other transcripts: intron variant (1).
Genome position (GRCh38, 1-based): chr6:5,431,107, A>G. VCF-style: chr6-5431107-A-G. GRCh37 (hg19) VCF-style: chr6-5431340-A-G.
Other names: p.N280S:AAC>AGC; c.839A>G, p.Asn280Ser (NM_001318872.2, NM_001374875.1, NM_001374876.1 and 4 more transcripts); c.143A>G, p.Asn48Ser (NM_001375259.1, NM_001375260.1); c.772+26406A>G (NM_001375258.1); short protein forms N280S, N48S.
Identifiers: ClinVar variation 137292 (VCV000137292.18), dbSNP rs11243011, ClinGen allele CA290845.
Genomic context (GRCh38, chr6:5,431,107, plus strand): 5'-AGATAAGATGGGTAGACTGCTACTTCCCTTTTACACATCCTTCCTTTGAGATGGAGATCA[A>G]CTTTCATGGAGAATGGCTGGAAGTTCTTGGCTGCGGGGTGATGGAACAACAACTGGTCAA-3'
Protein context (NP_006558.1, residues 270-290): FTHPSFEMEI[Asn280Ser]FHGEWLEVLG